The following is an entry in ClinVar:

NM_031407.7(HUWE1):c.1736A>G (p.Asn579Ser)

Gene: HUWE1 (HECT, UBA and WWE domain containing E3 ubiquitin protein ligase 1; minus strand). Cytogenetic location: Xp11.22.
Variant type: single nucleotide variant.
Coding change: c.1736A>G on transcript NM_031407.7 (MANE Select); coding-DNA position 1736, A replaced by G.
Protein change: p.Asn579Ser; replaces asparagine 579 with serine.
Molecular consequence: missense variant.
Genome position (GRCh38, 1-based): chrX:53,617,383, T>C on the plus strand (A>G on the coding strand, the complement: HUWE1 is on the minus strand). VCF-style: chrX-53617383-T-C. GRCh37 (hg19) VCF-style: chrX-53644344-T-C.
Other names: short protein forms N579S.
Identifiers: ClinVar variation 1204885 (VCV001204885.4), dbSNP rs782217635, ClinGen allele CA10422798.

ClinVar aggregate classification (germline): Uncertain significance. Review status: criteria provided, multiple submitters, no conflicts (2 of 4 stars). 2 submissions from 2 submitters: Uncertain significance (2). Last evaluated 2025-08-01.

Conditions:
Inborn genetic diseases. Identifiers: MedGen C0950123, MeSH D030342.

Allele frequency attached by ClinVar (database versions not stated): gnomAD exomes 0.00001; TOPMed 0.00001; ExAC 0.00002.
gnomAD v4.1: 14 of 1,201,063 alleles (0.0012%); highest among the groups gnomAD compares: Non-Finnish European, 0.0015%; no homozygotes.

Submissions (2):

Ambry Genetics
Classification: Uncertain significance for Inborn genetic diseases. Last evaluated: 2025-08-01. Review status: criteria provided, single submitter. Criteria: Ambry Variant Classification Scheme 2023. Collection method: clinical testing. Allele origin: germline.

GeneDx
Classification: Uncertain significance. Last evaluated: 2019-09-06. Review status: criteria provided, single submitter. Criteria: GeneDx Variant Classification Process June 2021. Collection method: clinical testing. Allele origin: germline. Affected: yes.
Comment: In silico analysis, which includes protein predictors and evolutionary conservation, supports a deleterious effect; Has not been previously published as pathogenic or benign to our knowledge